The following is an entry in ClinVar:

NM_018082.6(POLR3B):c.1127T>C (p.Leu376Ser)

Gene: POLR3B (RNA polymerase III subunit B; plus strand). Cytogenetic location: 12q23.3.
Variant type: single nucleotide variant.
Coding change: c.1127T>C on transcript NM_018082.6 (MANE Select); coding-DNA position 1127, T replaced by C.
Protein change: p.Leu376Ser; replaces leucine 376 with serine.
Molecular consequence: missense variant.
Genome position (GRCh38, 1-based): chr12:106,427,222, T>C. VCF-style: chr12-106427222-T-C. GRCh37 (hg19) VCF-style: chr12-106821000-T-C.
Other names: c.953T>C, p.Leu318Ser (NM_001160708.2); short protein forms L318S, L376S.
Identifiers: ClinVar variation 2573690 (VCV002573690.1), dbSNP rs2037452051, ClinGen allele CA386388117.

ClinVar aggregate classification (germline): Uncertain significance (1 of 4 stars; one submission).

Allele frequency attached by ClinVar (database versions not stated): gnomAD exomes below 0.00001; TOPMed below 0.00001; gnomAD 0.00001.
gnomAD v4.1: 3 of 1,599,808 alleles (0.00019%); highest among the groups gnomAD compares: African/African-American, 0.004%; no homozygotes.

Submission:

GeneDx
Classification: Uncertain significance. Last evaluated: 2023-01-19. Review status: criteria provided, single submitter. Criteria: GeneDx Variant Classification Process June 2021. Collection method: clinical testing. Allele origin: germline. Affected: yes.
Comment: Not observed at significant frequency in large population cohorts (gnomAD); In silico analysis supports that this missense variant has a deleterious effect on protein structure/function; Has not been previously published as pathogenic or benign to our knowledge